The following is an entry in ClinVar:

ClinVar aggregate classification (germline): Pathogenic (1 of 4 stars; one submission).

Conditions:
Familial adenomatous polyposis 1 (FAP1). Also called: FAMILIAL ADENOMATOUS POLYPOSIS 1, ATTENUATED; POLYPOSIS, ADENOMATOUS INTESTINAL. Identifiers: MedGen C2713442, MONDO:0021056, OMIM 175100. Disease mechanism: loss of function.

Submission:

Myriad Genetics, Inc.
Classification: Pathogenic for Familial adenomatous polyposis 1. Last evaluated: 2023-04-28. Review status: criteria provided, single submitter. Criteria: Myriad Autosomal Dominant, Autosomal Recessive and X-Linked Classification Criteria (2023). Collection method: clinical testing. Allele origin: unknown.
Comment: This variant is considered pathogenic. This variant creates a frameshift predicted to result in premature protein truncation.

NM_000038.6(APC):c.1114_1115del (p.Asn372fs)

Gene: APC (APC regulator of Wnt signaling pathway; plus strand). Cytogenetic location: 5q22.2.
Variant type: Deletion.
Coding change: c.1114_1115del on transcript NM_000038.6 (MANE Select); coding-DNA positions 1114 to 1115, 2 bases deleted (AA; older notation c.1114_1115delAA).
Protein change: p.Asn372fs; shifts the reading frame from asparagine 372.
Molecular consequence: frameshift variant. On other transcripts: non-coding transcript variant (2), intron variant (15).
Genome position (GRCh38, 1-based): chr5:112,819,146-112,819,147, AA deleted; deleting any 2 consecutive bases within chr5:112,819,145-112,819,147 gives the same sequence; the c. name uses the placement nearest the transcript's 3' end. VCF-style (leftmost placement, unchanged base first): chr5-112819144-GAA-G. GRCh37 (hg19) VCF-style: chr5-112154841-GAA-G.
Other names: c.1114_1115del, p.Asn372fs (NM_001127510.3, NM_001354895.2, NM_001354896.2 and 4 more transcripts); c.1060_1061del, p.Asn354fs (NM_001127511.3); c.1144_1145del, p.Asn382fs (NM_001354897.2, NM_001407446.1); c.1039_1040del, p.Asn347fs (NM_001354898.2, NM_001407451.1); c.1030_1031del, p.Asn344fs (NM_001354899.2, NM_001407452.1); c.937_938del, p.Asn313fs (NM_001354900.2, NM_001354901.2, NM_001407453.1); c.265_266del, p.Asn89fs (NM_001354906.2, NM_001407470.1); c.85-123_85-122del (NM_001407472.1, NM_001407471.1); and 5 more; short protein forms N313fs, N344fs, N347fs, N354fs, N372fs, N382fs, N89fs.
Identifiers: ClinVar variation 2583926 (VCV002583926.2), dbSNP rs2533046248, ClinGen allele CA2582341373.